The following is an entry in ClinVar:

ClinVar aggregate classification (germline): Uncertain significance (1 of 4 stars; one submission).

Conditions:
Hereditary cancer-predisposing syndrome. Also called: Tumor predisposition; Hereditary Cancer Syndrome; Hereditary neoplastic syndrome; Neoplastic Syndromes, Hereditary. Identifiers: Orphanet 140162, MedGen C0027672, MeSH D009386, MONDO:0015356.

Submission:

Ambry Genetics
Classification: Uncertain significance for Hereditary cancer-predisposing syndrome. Last evaluated: 2024-05-24. Review status: criteria provided, single submitter. Criteria: Ambry Variant Classification Scheme 2023. Collection method: clinical testing. Allele origin: germline.
Comment: The p.A101S variant (also known as c.301G>T), located in coding exon 1 of the HOXB13 gene, results from a G to T substitution at nucleotide position 301. The alanine at codon 101 is replaced by serine, an amino acid with similar properties. This amino acid position is conserved. In addition, this alteration is predicted to be tolerated by in silico analysis. Based on the available evidence, the clinical significance of this variant remains unclear.

NM_006361.6(HOXB13):c.301G>T (p.Ala101Ser)

Gene: HOXB13 (homeobox B13; minus strand). Cytogenetic location: 17q21.32.
Variant type: single nucleotide variant.
Coding change: c.301G>T on transcript NM_006361.6 (MANE Select); coding-DNA position 301, G replaced by T.
Protein change: p.Ala101Ser; replaces alanine 101 with serine.
Molecular consequence: missense variant.
Genome position (GRCh38, 1-based): chr17:48,728,293, C>A on the plus strand (G>T on the coding strand, the complement: HOXB13 is on the minus strand). VCF-style: chr17-48728293-C-A. GRCh37 (hg19) VCF-style: chr17-46805655-C-A.
Other names: short protein forms A101S.
Identifiers: ClinVar variation 3284652 (VCV003284652.1).
Genomic context (GRCh38, chr17:48,728,293, plus strand): 5'-GGTACTCTTCCCCGGCCGTGGGAGTCTCCGCGGGGTACGCGGCCAGGGTGGCTGCCTGGG[C>A]ACAGGGTTTCAGCGAGCTCCGGGACACTCGGCAGGAGTAGTACCCGCCTCCAAAGTAACC-3'
Protein context (NP_006352.2, residues 91-111): RVSRSSLKPC[Ala101Ser]QAATLAAYPA